The following is an entry in ClinVar:

ClinVar aggregate classification (germline): Pathogenic/Likely pathogenic. Review status: criteria provided, multiple submitters, no conflicts (2 of 4 stars). 2 submissions from 2 submitters: Pathogenic (1); Likely pathogenic (1). Last evaluated 2024-03-14.

Conditions:
Congenital factor V deficiency. Also called: OWREN PARAHEMOPHILIA; PARAHEMOPHILIA; LABILE FACTOR DEFICIENCY; Hereditary factor V deficiency disease. Identifiers: Orphanet 326, MedGen C0015499, MONDO:0009210, OMIM 227400.
Thrombophilia due to activated protein C resistance (THPH2). Also called: APC resistance; Hereditary Resistance to Activated Protein C; PCCF DEFICIENCY; PROC COFACTOR DEFICIENCY; THROMBOPHILIA DUE TO DEFICIENCY OF ACTIVATED PROTEIN C COFACTOR; THROMBOPHILIA V. Identifiers: MedGen C1861171, MONDO:0008560, OMIM 188055. Disease mechanism: loss of function, gain of function.
Budd-Chiari syndrome (BDCHS). Also called: Hepatic vein obstruction. Identifiers: Orphanet 131, MedGen C0856761, MONDO:0010947, OMIM 600880, HP:0002639.
Pregnancy loss, recurrent, susceptibility to, 1 (RPRGL1). Also called: EMBRYONIC LOSS, RECURRENT; MISCARRIAGE, RECURRENT; STILLBIRTH, RECURRENT; FETAL LOSS, RECURRENT, SUSCEPTIBILITY TO. Identifiers: MedGen C3280670, MONDO:0013727, OMIM 614389.
Ischemic stroke. Also called: CEREBROVASCULAR ACCIDENT; Ischemic stroke, susceptibility to. Identifiers: MedGen C0948008, MONDO:1060198, OMIM 601367, HP:0002140.

Submissions (2):

Fulgent Genetics
Classification: Likely pathogenic for Thrombophilia due to activated protein C resistance; Congenital factor V deficiency; Budd-Chiari syndrome; Ischemic stroke; Pregnancy loss, recurrent, susceptibility to, 1. Last evaluated: 2024-03-14. Review status: criteria provided, single submitter. Criteria: ACMG Guidelines, 2015. Collection method: clinical testing. Allele origin: germline.

Labcorp Genetics (formerly Invitae), Labcorp
Classification: Pathogenic for Congenital factor V deficiency. Last evaluated: 2023-11-03. Review status: criteria provided, single submitter. Criteria: Invitae Variant Classification Sherloc (09022015). Collection method: clinical testing. Allele origin: germline.
Comment: This sequence change creates a premature translational stop signal (p.Lys674Serfs*2) in the F5 gene. It is expected to result in an absent or disrupted protein product. Loss-of-function variants in F5 are known to be pathogenic (PMID: 30924984). This variant is not present in population databases (gnomAD no frequency). This variant has not been reported in the literature in individuals affected with F5-related conditions. For these reasons, this variant has been classified as Pathogenic.

Literature cited by the submitters: PubMed 30924984 (cited by Labcorp Genetics (formerly Invitae), Labcorp).

NM_000130.5(F5):c.2021del (p.Lys674fs)

Gene: F5 (coagulation factor V; minus strand). Cytogenetic location: 1q24.2.
Variant type: Deletion.
Coding change: c.2021del on transcript NM_000130.5 (MANE Select); coding-DNA position 2021, one base deleted (A; older notation c.2021delA).
Protein change: p.Lys674fs; shifts the reading frame from lysine 674.
Molecular consequence: frameshift variant.
Genome position (GRCh38, 1-based): chr1:169,543,069, T deleted on the plus strand (A on the coding strand, the reverse complement: F5 is on the minus strand); the first of 5 consecutive T bases (chr1:169,543,069-169,543,073); deleting any one gives the same sequence. VCF-style (leftmost placement, unchanged base first): chr1-169543068-CT-C. GRCh37 (hg19) VCF-style: chr1-169512306-CT-C.
Other names: short protein forms K674fs.
Identifiers: ClinVar variation 2895285 (VCV002895285.4), dbSNP rs986891825, ClinGen allele CA32385684.